The following is an entry in ClinVar:

NM_033026.6(PCLO):c.3286C>T (p.Pro1096Ser)

Gene: PCLO (piccolo presynaptic cytomatrix protein; minus strand). Cytogenetic location: 7q21.11.
Variant type: single nucleotide variant.
Coding change: c.3286C>T on transcript NM_033026.6 (MANE Select); coding-DNA position 3286, C replaced by T.
Protein change: p.Pro1096Ser; replaces proline 1096 with serine.
Molecular consequence: missense variant.
Genome position (GRCh38, 1-based): chr7:83,134,264, G>A on the plus strand (C>T on the coding strand, the complement: PCLO is on the minus strand). VCF-style: chr7-83134264-G-A. GRCh37 (hg19) VCF-style: chr7-82763580-G-A.
Other names: c.3286C>T, p.Pro1096Ser (NM_014510.3); short protein forms P1096S.
Identifiers: ClinVar variation 1359064 (VCV001359064.3), dbSNP rs1352830415, ClinGen allele CA367896515.

ClinVar aggregate classification (germline): Uncertain significance (1 of 4 stars; one submission).

Submission:

Labcorp Genetics (formerly Invitae), Labcorp
Classification: Uncertain significance. Last evaluated: 2022-08-09. Review status: criteria provided, single submitter. Criteria: Invitae Variant Classification Sherloc (09022015). Collection method: clinical testing. Allele origin: germline.
Comment: This sequence change replaces proline, which is neutral and non-polar, with serine, which is neutral and polar, at codon 1096 of the PCLO protein (p.Pro1096Ser). This variant is present in population databases (no rsID available, gnomAD 0.003%). This variant has not been reported in the literature in individuals affected with PCLO-related conditions. ClinVar contains an entry for this variant (Variation ID: 1359064). Algorithms developed to predict the effect of missense changes on protein structure and function are either unavailable or do not agree on the potential impact of this missense change (SIFT: "Deleterious"; PolyPhen-2: "Not Available"; Align-GVGD: "Class C0"). In summary, the available evidence is currently insufficient to determine the role of this variant in disease. Therefore, it has been classified as a Variant of Uncertain Significance.